The following is an entry in ClinVar:

NM_001261826.3(AP3D1):c.1483C>T (p.His495Tyr)

Gene: AP3D1 (adaptor related protein complex 3 subunit delta 1; minus strand). Cytogenetic location: 19p13.3.
Variant type: single nucleotide variant.
Coding change: c.1483C>T on transcript NM_001261826.3 (MANE Select); coding-DNA position 1483, C replaced by T.
Protein change: p.His495Tyr; replaces histidine 495 with tyrosine.
Molecular consequence: missense variant.
Genome position (GRCh38, 1-based): chr19:2,118,831, G>A on the plus strand (C>T on the coding strand, the complement: AP3D1 is on the minus strand). VCF-style: chr19-2118831-G-A. GRCh37 (hg19) VCF-style: chr19-2118830-G-A.
Other names: c.1483C>T (NM_003938.5); c.1483C>T, p.His495Tyr (NM_001374799.1, NM_003938.8); short protein forms H495Y.
Identifiers: ClinVar variation 1718602 (VCV001718602.7), dbSNP rs766047908, ClinGen allele CA403222378.

ClinVar aggregate classification (germline): Uncertain significance. Review status: criteria provided, multiple submitters, no conflicts (2 of 4 stars). 2 submissions from 2 submitters: Uncertain significance (2). Last evaluated 2023-04-26.

Conditions:
Inborn genetic diseases. Identifiers: MedGen C0950123, MeSH D030342.

Submissions (2):

Ambry Genetics
Classification: Uncertain significance for Inborn genetic diseases. Last evaluated: 2023-04-26. Review status: criteria provided, single submitter. Criteria: Ambry Variant Classification Scheme 2023. Collection method: clinical testing. Allele origin: germline.

Labcorp Genetics (formerly Invitae), Labcorp
Classification: Uncertain significance. Last evaluated: 2022-09-01. Review status: criteria provided, single submitter. Criteria: Invitae Variant Classification Sherloc (09022015). Collection method: clinical testing. Allele origin: germline.
Comment: In summary, the available evidence is currently insufficient to determine the role of this variant in disease. Therefore, it has been classified as a Variant of Uncertain Significance. Algorithms developed to predict the effect of missense changes on protein structure and function (SIFT, PolyPhen-2, Align-GVGD) all suggest that this variant is likely to be tolerated. This variant has not been reported in the literature in individuals affected with AP3D1-related conditions. This variant is not present in population databases (gnomAD no frequency). This sequence change replaces histidine, which is basic and polar, with tyrosine, which is neutral and polar, at codon 495 of the AP3D1 protein (p.His495Tyr).